The following is an entry in ClinVar:

ClinVar aggregate classification (germline): Uncertain significance (1 of 4 stars; one submission).

Submission:

GeneDx
Classification: Uncertain significance. Last evaluated: 2025-03-25. Review status: criteria provided, single submitter. Criteria: GeneDx Variant Classification Process June 2021. Collection method: clinical testing. Allele origin: germline.
Comment: Not observed at significant frequency in large population cohorts (gnomAD); In silico analysis supports that this missense variant has a deleterious effect on protein structure/function; This variant is associated with the following publications: (PMID: 36757831)

NM_000113.3(TOR1A):c.806T>C (p.Phe269Ser)

Gene: TOR1A (torsin family 1 member A; minus strand). Cytogenetic location: 9q34.11.
Variant type: single nucleotide variant.
Coding change: c.806T>C on transcript NM_000113.3 (MANE Select); coding-DNA position 806, T replaced by C.
Protein change: p.Phe269Ser; replaces phenylalanine 269 with serine.
Molecular consequence: missense variant.
Genome position (GRCh38, 1-based): chr9:129,814,165, A>G on the plus strand (T>C on the coding strand, the complement: TOR1A is on the minus strand). VCF-style: chr9-129814165-A-G. GRCh37 (hg19) VCF-style: chr9-132576444-A-G.
Other names: short protein forms F269S.
Identifiers: ClinVar variation 3341042 (VCV003341042.2).